The following is an entry in ClinVar:

NM_000051.4(ATM):c.3806A>G (p.Lys1269Arg)

Gene: ATM (ATM serine/threonine kinase; plus strand). Cytogenetic location: 11q22.3.
Variant type: single nucleotide variant.
Coding change: c.3806A>G on transcript NM_000051.4 (MANE Select); coding-DNA position 3806, A replaced by G.
Protein change: p.Lys1269Arg; replaces lysine 1269 with arginine.
Molecular consequence: missense variant.
Genome position (GRCh38, 1-based): chr11:108,284,286, A>G. VCF-style: chr11-108284286-A-G. GRCh37 (hg19) VCF-style: chr11-108155013-A-G.
Other names: c.3806A>G, p.Lys1269Arg (NM_001351834.2); short protein forms K1269R.
Identifiers: ClinVar variation 185981 (VCV000185981.45), dbSNP rs146017595, ClinGen allele CA193557.

ClinVar aggregate classification (germline): Conflicting classifications of pathogenicity. Review status: criteria provided, conflicting classifications (1 of 4 stars). 19 submissions from 19 submitters: Uncertain significance (11); Likely benign (3). 5 of the submissions do not count toward it. Last evaluated 2026-01-31.

Conditions:
Familial cancer of breast. Also called: BREAST CANCER, FAMILIAL; Hereditary breast cancer; hereditary breast carcinoma. Identifiers: Orphanet 227535, MedGen C0346153, MONDO:0016419, OMIM 114480. Disease mechanism: loss of function.
ATM-related disorder. Also called: ATM-related disorders; ATM-related condition.
Breast and/or ovarian cancer. Identifiers: MedGen CN221562.
Ataxia-telangiectasia syndrome (AT). Also called: Ataxia-telangiectasia, complementation group D; AT, COMPLEMENTATION GROUP C; ATAXIA-TELANGIECTASIA, COMPLEMENTATION GROUP A; ATAXIA-TELANGIECTASIA, FRESNO VARIANT; Ataxia-telangiectasia; LOUIS-BAR SYNDROME. Identifiers: Orphanet 100, MedGen C0004135, MONDO:0008840, OMIM 208900.
Hereditary cancer-predisposing syndrome. Also called: Hereditary Cancer Syndrome; Neoplastic Syndromes, Hereditary; Tumor predisposition; Hereditary neoplastic syndrome. Identifiers: Orphanet 140162, MedGen C0027672, MeSH D009386, MONDO:0015356.
Hereditary breast ovarian cancer syndrome. Also called: Hereditary breast and ovarian cancer; Hereditary breast and ovarian cancer syndrome; Breast and ovarian cancer; Hereditary breast and ovarian cancer syndrome (HBOC); Hereditary breast and/or ovarian cancer syndrome; BRCA1- and BRCA2-Associated Hereditary Breast and Ovarian Cancer. Identifiers: Orphanet 145, MedGen C0677776, MeSH D061325, MONDO:0003582. Disease mechanism: loss of function.

Allele frequency attached by ClinVar (database versions not stated): ExAC 0.00002; gnomAD exomes 0.00002; ESP Exome Variant Server 0.00008; TOPMed 0.00009; gnomAD 0.00012 and 0.00014.
gnomAD v4.1: 116 of 1,613,488 alleles (0.0072%); highest among the groups gnomAD compares: African/African-American, 0.016%; no homozygotes.

Submissions 1 to 14 of 19:

Labcorp Genetics (formerly Invitae), Labcorp
Classification: Uncertain significance for Ataxia-telangiectasia syndrome. Last evaluated: 2026-01-31. Review status: criteria provided, single submitter. Criteria: Invitae Variant Classification Sherloc (09022015). Collection method: clinical testing. Allele origin: germline.
Comment: This sequence change replaces lysine, which is basic and polar, with arginine, which is basic and polar, at codon 1269 of the ATM protein (p.Lys1269Arg). This variant is present in population databases (rs146017595, gnomAD 0.008%). This missense change has been observed in individual(s) with breast cancer (PMID: 31811167, 34326862, 36315919). ClinVar contains an entry for this variant (Variation ID: 185981). Invitae Evidence Modeling of protein sequence and biophysical properties (such as structural, functional, and spatial information, amino acid conservation, physicochemical variation, residue mobility, and thermodynamic stability) indicates that this missense variant is not expected to disrupt ATM protein function with a negative predictive value of 95%. RNA analysis performed to evaluate the impact of this missense change on mRNA splicing indicates it does not significantly alter splicing (internal data). In summary, the available evidence is currently insufficient to determine the role of this variant in disease. Therefore, it has been classified as a Variant of Uncertain Significance.

Ambry Genetics
Classification: Likely benign for Hereditary cancer-predisposing syndrome. Last evaluated: 2025-11-05. Review status: criteria provided, single submitter. Criteria: Ambry Variant Classification Scheme 2023. Collection method: clinical testing. Allele origin: germline.

Quest Diagnostics Nichols Institute San Juan Capistrano
Classification: Uncertain significance. Last evaluated: 2025-08-28. Review status: criteria provided, single submitter. Criteria: Quest Diagnostics criteria. Collection method: clinical testing. Allele origin: unknown.

GeneDx
Classification: Uncertain significance. Last evaluated: 2025-05-19. Review status: criteria provided, single submitter. Criteria: GeneDx Variant Classification Process June 2021. Collection method: clinical testing. Allele origin: germline. Affected: yes.
Comment: Published functional studies suggest this variant may impact splicing resulting in several aberrant transcripts, but the effect was not complete as some full length transcript was also present in a mini gene assay (PMID: 31811167); In silico analysis suggests that this missense variant does not alter protein structure/function; Not observed at significant frequency in large population cohorts (gnomAD); Observed in individuals with personal or family history of breast cancer (PMID: 28779002, 31811167, 33471991, 34326862); This variant is associated with the following publications: (PMID: 28779002, 31811167, 33471991, 34326862)

Myriad Genetics, Inc.
Classification: Likely benign for Familial cancer of breast. Last evaluated: 2025-04-21. Review status: criteria provided, single submitter. Criteria: Myriad Autosomal Dominant, Autosomal Recessive and X-Linked Classification Criteria (2023). Collection method: clinical testing. Allele origin: unknown.
Comment: This variant is considered likely benign. This variant is strongly associated with less severe personal and family histories of cancer, typical for individuals without pathogenic variants in this gene [PMID: 25085752].

Athena Diagnostics
Classification: Uncertain significance. Last evaluated: 2024-11-14. Review status: criteria provided, single submitter. Criteria: Athena Diagnostics Criteria. Collection method: clinical testing. Allele origin: unknown.
Comment: Available data are insufficient to determine the clinical significance of the variant at this time. The frequency of this variant in the general population is uninformative in assessment of its pathogenicity. Assessment of experimental evidence regarding the effect of this variant on protein function is inconclusive (PMID 31811167).

Molecular Pathology, Peter Maccallum Cancer Centre
Classification: Uncertain significance for Ataxia-telangiectasia syndrome. Last evaluated: 2024-10-18. Review status: criteria provided, single submitter. Criteria: ACMG Guidelines, 2015. Collection method: clinical testing. Allele origin: germline. Inheritance: Autosomal recessive inheritance.

Color Diagnostics, LLC DBA Color Health
Classification: Likely benign for Hereditary cancer-predisposing syndrome. Last evaluated: 2024-09-18. Review status: criteria provided, single submitter. Criteria: ACMG Guidelines, 2015. Collection method: clinical testing. Allele origin: germline.

German Consortium for Hereditary Breast and Ovarian Cancer, University Hospital Cologne
Classification: Uncertain significance for Hereditary breast ovarian cancer syndrome. Last evaluated: 2024-08-13. Review status: criteria provided, single submitter. Criteria: ClinGen ATM V1.3.0. Collection method: curation. Allele origin: germline.
Comment: According to the ClinGen ACMG ATM v1.3.0 criteria we chose this criterion: PVS1 (supporting pathogenic): Abberant splicing in minigene Assay PMID: 31811167

Women's Health and Genetics/Laboratory Corporation of America, LabCorp
Classification: Uncertain significance. Last evaluated: 2024-06-28. Review status: criteria provided, single submitter. Criteria: LabCorp Variant Classification Summary - May 2015. Collection method: clinical testing. Allele origin: germline.
Comment: Variant summary: ATM c.3806A>G (p.Lys1269Arg) results in a conservative amino acid change in the encoded protein sequence. Three of five in-silico tools predict a damaging effect of the variant on protein function. Several computational tools predict a significant impact on normal splicing: Two predict the variant strengthens a cryptic 5' donor site. One predict the variant creates a 5' donor site. In a cell-based minigene assay, the variant showed aberrant splicing (Dominguez-Valentin_2019), however the in vivo implication of these studies is not known. The variant allele was found at a frequency of 2.4e-05 in 251238 control chromosomes. The available data on variant occurrences in the general population are insufficient to allow any conclusion about variant significance. c.3806A>G has been reported in the literature in individuals affected with breast cancer and prostate cancer (examples: Bhai_2021, Dominguez-Valentin_2019, Mateo_2020). These reports do not provide unequivocal conclusions about association of the variant with Breast Cancer. To our knowledge, no experimental evidence demonstrating an impact on protein function has been reported. The following publications have been ascertained in the context of this evaluation (PMID: 28779002, 34326862, 31811167, 36315919, 31874108). ClinVar contains an entry for this variant (Variation ID: 185981). Based on the evidence outlined above, the variant was classified as uncertain significance.

Baylor Genetics
Classification: Uncertain significance for Familial cancer of breast. Last evaluated: 2024-03-06. Review status: criteria provided, single submitter. Criteria: ACMG Guidelines, 2015. Collection method: clinical testing. Allele origin: unknown.

Sema4
Classification: Uncertain significance for Hereditary cancer-predisposing syndrome. Last evaluated: 2022-02-01. Review status: criteria provided, single submitter. Criteria: Sema4 Curation Guidelines. Collection method: curation. Allele origin: germline.
Comment: The ATM c.3806A>G (p.K1269R) variant has been reported in heterozygosity in multiple breast cancer cases (PMID: 33471991, 31811167, 28779002) but also in controls (PMID: 33471991). This variant was observed in 9/282622 chromosomes across all populations, with no homozygotes, in the Genome Aggregation Database (PMID: 32461654) and has been reported in ClinVar (Variation ID: 185981). A functional study has shown that this variant may partially alter normal RNA splicing (PMID: 31811167). In silico predictions of the variant's effect on protein function are inconclusive. Based on the current evidence available, this variant is interpreted as a variant of uncertain significance.

CHEO Genetics Diagnostic Laboratory, Children's Hospital of Eastern Ontario
Classification: Uncertain significance for Breast and/or ovarian cancer. Last evaluated: 2019-05-30. Review status: criteria provided, single submitter. Criteria: ACMG Guidelines, 2015. Collection method: clinical testing. Allele origin: germline.

Fulgent Genetics
Classification: Uncertain significance for Familial cancer of breast; Ataxia-telangiectasia syndrome. Last evaluated: 2018-10-31. Review status: criteria provided, single submitter. Criteria: ACMG Guidelines, 2015. Collection method: clinical testing. Allele origin: unknown.